The following is an entry in ClinVar:

ClinVar aggregate classification (germline): Uncertain significance (1 of 4 stars; one submission).

Allele frequency attached by ClinVar (database versions not stated): ExAC 0.00001; TOPMed 0.00002.
gnomAD v4.1: 69 of 1,608,790 alleles (0.0043%); highest among the groups gnomAD compares: Non-Finnish European, 0.0055%; no homozygotes.

Submission:

Labcorp Genetics (formerly Invitae), Labcorp
Classification: Uncertain significance. Last evaluated: 2024-10-21. Review status: criteria provided, single submitter. Criteria: Invitae Variant Classification Sherloc (09022015). Collection method: clinical testing. Allele origin: germline.
Comment: This sequence change replaces valine, which is neutral and non-polar, with leucine, which is neutral and non-polar, at codon 213 of the C1QC protein (p.Val213Leu). This variant is present in population databases (rs757221100, gnomAD 0.008%). This variant has not been reported in the literature in individuals affected with C1QC-related conditions. ClinVar contains an entry for this variant (Variation ID: 1420312). An algorithm developed to predict the effect of missense changes on protein structure and function outputs the following: PolyPhen-2: "Benign". The leucine amino acid residue is found in multiple mammalian species, which suggests that this missense change does not adversely affect protein function. In summary, the available evidence is currently insufficient to determine the role of this variant in disease. Therefore, it has been classified as a Variant of Uncertain Significance.

NM_172369.5(C1QC):c.637G>C (p.Val213Leu)

Gene: C1QC (complement C1q C chain; plus strand). Cytogenetic location: 1p36.12.
Variant type: single nucleotide variant.
Coding change: c.637G>C on transcript NM_172369.5 (MANE Select); coding-DNA position 637, G replaced by C.
Protein change: p.Val213Leu; replaces valine 213 with leucine.
Molecular consequence: missense variant.
Genome position (GRCh38, 1-based): chr1:22,647,682, G>C. VCF-style: chr1-22647682-G-C. GRCh37 (hg19) VCF-style: chr1-22974175-G-C.
Other names: c.637G>C, p.Val213Leu (NM_001114101.3, NM_001347619.2); c.370G>C, p.Val124Leu (NM_001347620.2); short protein forms V213L, V124L.
Identifiers: ClinVar variation 1420312 (VCV001420312.6), dbSNP rs757221100, ClinGen allele CA678028.